The following is an entry in ClinVar:

NM_001698.3(AUH):c.936T>C (p.Tyr312=)

Gene: AUH (AU RNA binding methylglutaconyl-CoA hydratase; minus strand). Cytogenetic location: 9q22.31.
Variant type: single nucleotide variant.
Coding change: c.936T>C on transcript NM_001698.3 (MANE Select); coding-DNA position 936, T replaced by C.
Protein change: p.Tyr312=; no amino-acid change (tyrosine 312 retained).
Molecular consequence: synonymous variant. On other transcripts: intron variant (1).
Genome position (GRCh38, 1-based): chr9:91,216,065, A>G on the plus strand (T>C on the coding strand, the complement: AUH is on the minus strand). VCF-style: chr9-91216065-A-G. GRCh37 (hg19) VCF-style: chr9-93978347-A-G.
Other names: p.Tyr312=; c.849T>C, p.Tyr283= (NM_001306190.2); c.609T>C, p.Tyr203= (NM_001351431.2, NM_001351432.2); c.567+1212T>C (NM_001351433.2).
Identifiers: ClinVar variation 516705 (VCV000516705.58), dbSNP rs139628387, ClinGen allele CA5119683.
Genomic context (GRCh38, chr9:91,216,065, plus strand): 5'-GTAAATATAATTTGTAAGGGTCATCCTCATTGAATTTGTGATTGCATTACATACCTGAGC[A>G]TAACAAGCTTCTTCTATGGCTAACCCTGTTACTAAATCGACCTGAGAATAAAAACATAAT-3'
Protein context (NP_001689.1, residues 302-322): VTGLAIEEAC[Tyr312=]AQTIPTKDRL

ClinVar aggregate classification (germline): Conflicting classifications of pathogenicity. Review status: criteria provided, conflicting classifications (1 of 4 stars). 7 submissions from 7 submitters: Uncertain significance (1); Likely benign (6). Last evaluated 2025-06-09.

Conditions:
3-methylglutaconic aciduria type 1 (MGCA1). Identifiers: Orphanet 67046, MedGen C0342727, MONDO:0009610, OMIM 250950.
AUH-related disorder. Also called: AUH-related condition.

Allele frequency attached by ClinVar (database versions not stated): 1000 Genomes Project 30x 0.00016; 1000 Genomes Project 0.00020; gnomAD 0.00029 and 0.00035; TOPMed 0.00036; gnomAD exomes 0.00049 and 0.00068; ExAC 0.00058; ESP Exome Variant Server 0.00092.
gnomAD v4.1: 1,050 of 1,611,978 alleles (0.065%); highest among the groups gnomAD compares: South Asian, 0.17%; 4 homozygotes.

Submissions (7):

Mayo Clinic Laboratories, Mayo Clinic
Classification: Likely benign. Last evaluated: 2025-06-09. Review status: criteria provided, single submitter. Criteria: ACMG Guidelines, 2015. Collection method: clinical testing. Allele origin: germline. Observed: 3 variant alleles.
Comment: BP4, BP7

Labcorp Genetics (formerly Invitae), Labcorp
Classification: Likely benign for 3-methylglutaconic aciduria type 1. Last evaluated: 2025-03-31. Review status: criteria provided, single submitter. Criteria: Invitae Variant Classification Sherloc (09022015). Collection method: clinical testing. Allele origin: germline.

PreventionGenetics, part of Exact Sciences
Classification: Likely benign for AUH-related condition. Last evaluated: 2025-01-19. Review status: criteria provided, single submitter. Criteria: ACMG Guidelines, 2015. Collection method: clinical testing. Allele origin: germline.
Comment: This variant is classified as likely benign based on ACMG/AMP sequence variant interpretation guidelines (Richards et al. 2015 PMID: 25741868, with internal and published modifications).

Blueprint Genetics
Classification: Likely benign. Last evaluated: 2024-10-25. Review status: criteria provided, single submitter. Criteria: ACMG Guidelines, 2015. Collection method: clinical testing. Allele origin: germline.

CeGaT Center for Human Genetics Tuebingen
Classification: Likely benign. Last evaluated: 2023-05-01. Review status: criteria provided, single submitter. Criteria: CeGaT Center For Human Genetics Tuebingen Variant Classification Criteria Version 2. Collection method: clinical testing. Allele origin: germline. Affected: yes. Observed: 2 variant alleles.
Comment: AUH: BP4, BP7

GeneDx
Classification: Likely benign. Last evaluated: 2018-02-26. Review status: criteria provided, single submitter. Criteria: GeneDx Variant Classification (06012015). Collection method: clinical testing. Allele origin: germline. Affected: yes.
Comment: This variant is considered likely benign or benign based on one or more of the following criteria: it is a conservative change, it occurs at a poorly conserved position in the protein, it is predicted to be benign by multiple in silico algorithms, and/or has population frequency not consistent with disease.

Illumina Laboratory Services, Illumina
Classification: Uncertain significance for 3-methylglutaconic aciduria type 1. Last evaluated: 2018-01-13. Review status: criteria provided, single submitter. Criteria: ICSL Variant Classification Criteria 13 December 2019. Collection method: clinical testing. Allele origin: germline.